The following is an entry in ClinVar:

ClinVar aggregate classification (germline): Conflicting classifications of pathogenicity. Review status: criteria provided, conflicting classifications (1 of 4 stars). 3 submissions from 3 submitters: Pathogenic (1); Likely pathogenic (1); Uncertain significance (1). Last evaluated 2026-07-01.

Conditions:
Rare genetic deafness. Identifiers: Orphanet 96210, MedGen C5680250.

Submissions (3):

CeGaT Center for Human Genetics Tuebingen
Classification: Pathogenic. Last evaluated: 2026-07-01. Review status: criteria provided, single submitter. Criteria: CeGaT Center For Human Genetics Tuebingen Variant Classification Criteria Version 2. Collection method: clinical testing. Allele origin: germline. Affected: yes. Observed: 1 variant allele.
Comment: OTOGL: PVS1, PM2

GeneDx
Classification: Uncertain significance. Last evaluated: 2024-03-18. Review status: criteria provided, single submitter. Criteria: GeneDx Variant Classification Process June 2021. Collection method: clinical testing. Allele origin: germline. Affected: yes.
Comment: Frameshift variant predicted to result in protein truncation or nonsense mediated decay in a gene for which loss of function is a known mechanism of disease; Has not been previously published as pathogenic or benign to our knowledge

Laboratory for Molecular Medicine, Mass General Brigham Personalized Medicine
Classification: Likely pathogenic for Rare genetic deafness. Last evaluated: 2022-06-23. Review status: criteria provided, single submitter. Criteria: ACMG Guidelines, 2015. Collection method: clinical testing. Allele origin: germline.
Comment: The p.Glu1165ValfsX6 variant in OTOGL has not been previously reported in individuals with nonsyndromic hearing loss, but has been identified in 0.009% (4/41434) of African/African American chromosomes by gnomAD. However, this frequency is low enough to be consistent with a recessive allele frequency. This variant is predicted to cause a frameshift, which alters the protein’s amino acid sequence beginning at position 1165 and leads to a premature termination codon 6 amino acids downstream. Loss of function of the OTOGL gene is an established disease mechanism in autosomal recessive nonsyndromic hearing loss. In summary, although additional studies are required to fully establish its clinical significance, this variant meets criteria to be classified as likely pathogenic for autosomal recessive nonsyndromic hearing loss. ACMG/AMP Criteria applied: PVS1, PM2_Supporting.

NM_001378609.3(OTOGL):c.3521_3524del (p.Glu1174fs)

Gene: OTOGL (otogelin like; plus strand). Cytogenetic location: 12q21.31.
Variant type: Deletion.
Coding change: c.3521_3524del on transcript NM_001378609.3 (MANE Select); coding-DNA positions 3521 to 3524, 4 bases deleted (AGTG; older notation c.3521_3524delAGTG).
Protein change: p.Glu1174fs; shifts the reading frame from glutamic acid 1174.
Molecular consequence: frameshift variant.
Genome position (GRCh38, 1-based): chr12:80,313,546-80,313,549, AGTG deleted; deleting any 4 consecutive bases within chr12:80,313,543-80,313,549 gives the same sequence; the c. name uses the placement nearest the transcript's 3' end. VCF-style (leftmost placement, unchanged base first): chr12-80313542-TGTGA-T. GRCh37 (hg19) VCF-style: chr12-80707322-TGTGA-T.
Other names: c.3386_3389del, p.Glu1129fs (NM_001368062.3); c.3521_3524del, p.Glu1174fs (NM_001378610.3, NM_173591.7); c.3494_3497del (NM_173591.3); short protein forms E1129fs, E1174fs.
Identifiers: ClinVar variation 3075850 (VCV003075850.3), dbSNP rs779988517, ClinGen allele CA6701109.